The following is an entry in ClinVar:

NM_002617.4(PEX10):c.458_461del (p.Thr153fs)

Gene: PEX10 (peroxisomal biogenesis factor 10; minus strand). Cytogenetic location: 1p36.32.
Variant type: Microsatellite.
Coding change: c.458_461del on transcript NM_002617.4 (MANE Select); coding-DNA positions 458 to 461, 4 bases deleted (CTGA; older notation c.458_461delCTGA).
Protein change: p.Thr153fs; shifts the reading frame from threonine 153.
Molecular consequence: frameshift variant. On other transcripts: non-coding transcript variant (1).
Genome position (GRCh38, 1-based): chr1:2,408,591-2,408,594, TCAG deleted on the plus strand (CTGA on the coding strand, the reverse complement: PEX10 is on the minus strand); deleting any 4 consecutive bases within chr1:2,408,591-2,408,598 gives the same sequence; the c. name uses the placement nearest the transcript's 3' end. VCF-style (leftmost placement, unchanged base first): chr1-2408590-CTCAG-C. GRCh37 (hg19) VCF-style: chr1-2340029-CTCAG-C.
Other names: c.458_461del, p.Thr153fs (NM_001374425.1, NM_153818.2); c.26_29del, p.Thr9fs (NM_001374426.1, NM_001374427.1); short protein forms T153fs, T9fs.
Identifiers: ClinVar variation 2131746 (VCV002131746.4), dbSNP rs1643085902, ClinGen allele CA997786868.
Genomic context (GRCh38, chr1:2,408,590, plus strand): 5'-GAGGCAGGCGAGGCCCTGTCTGAGGACGAAGACCGCCCGCAGCAGCGCCCTCCTCTGCTG[CTCAG>C]TCAGGGTGGCCGTGTGGTGACGCATCCAGCGCCGCGCCCCTGAGCAGCCACGCCCACCTG-3'

ClinVar aggregate classification (germline): Pathogenic (1 of 4 stars; one submission).

Conditions:
Peroxisome biogenesis disorder, complementation group 7 (CG7). Also called: Peroxisome biogenesis disorder, complementation group B. Identifiers: MedGen C1864399.

Submission:

Labcorp Genetics (formerly Invitae), Labcorp
Classification: Pathogenic for Peroxisome biogenesis disorder, complementation group 7. Last evaluated: 2023-04-23. Review status: criteria provided, single submitter. Criteria: Invitae Variant Classification Sherloc (09022015). Collection method: clinical testing. Allele origin: germline.
Comment: This variant is not present in population databases (gnomAD no frequency). This sequence change creates a premature translational stop signal (p.Thr153Serfs*50) in the PEX10 gene. It is expected to result in an absent or disrupted protein product. Loss-of-function variants in PEX10 are known to be pathogenic (PMID: 9683594, 10862081, 21031596). This variant has not been reported in the literature in individuals affected with PEX10-related conditions. For these reasons, this variant has been classified as Pathogenic.

Literature cited by the submitters: PubMed 9683594; PubMed 10862081; PubMed 21031596.